The following is an entry in ClinVar:

ClinVar aggregate classification (germline): Pathogenic (1 of 4 stars; one submission).

Submission:

Labcorp Genetics (formerly Invitae), Labcorp
Classification: Pathogenic. Last evaluated: 2023-04-24. Review status: criteria provided, single submitter. Criteria: Invitae Variant Classification Sherloc (09022015). Collection method: clinical testing. Allele origin: germline.
Comment: This sequence change creates a premature translational stop signal (p.Lys1054Asnfs*4) in the OTOF gene. It is expected to result in an absent or disrupted protein product. Loss-of-function variants in OTOF are known to be pathogenic (PMID: 18381613, 19250381, 22575033). This variant is not present in population databases (gnomAD no frequency). This variant has not been reported in the literature in individuals affected with OTOF-related conditions. Algorithms developed to predict the effect of sequence changes on RNA splicing suggest that this variant may create or strengthen a splice site. For these reasons, this variant has been classified as Pathogenic.

Literature cited by the submitters: PubMed 18381613; PubMed 19250381; PubMed 22575033.

NM_194248.3(OTOF):c.3159del (p.Lys1054fs)

Gene: OTOF (otoferlin; minus strand). Cytogenetic location: 2p23.3.
Variant type: Deletion.
Coding change: c.3159del on transcript NM_194248.3 (MANE Select); coding-DNA position 3159, one base deleted (C; older notation c.3159delC).
Protein change: p.Lys1054fs; shifts the reading frame from lysine 1054.
Molecular consequence: frameshift variant.
Genome position (GRCh38, 1-based): chr2:26,474,642, G deleted on the plus strand (C on the coding strand, the reverse complement: OTOF is on the minus strand); the first of 2 consecutive G bases (chr2:26,474,642-26,474,643); deleting either gives the same sequence. VCF-style (leftmost placement, unchanged base first): chr2-26474641-TG-T. GRCh37 (hg19) VCF-style: chr2-26697509-TG-T.
Other names: c.3159del, p.Lys1054fs (NM_001287489.2); c.918del, p.Lys307fs (NM_004802.4, NM_194323.3); c.1089del, p.Lys364fs (NM_194322.3); short protein forms K1054fs, K307fs, K364fs.
Identifiers: ClinVar variation 2787036 (VCV002787036.3), dbSNP rs2465574448, ClinGen allele CA2576699360.